The following is an entry in ClinVar:

NM_005359.6(SMAD4):c.914A>C (p.His305Pro)

Gene: SMAD4 (SMAD family member 4; plus strand). Cytogenetic location: 18q21.2.
Variant type: single nucleotide variant.
Coding change: c.914A>C on transcript NM_005359.6 (MANE Select); coding-DNA position 914, A replaced by C.
Protein change: p.His305Pro; replaces histidine 305 with proline.
Molecular consequence: missense variant.
Genome position (GRCh38, 1-based): chr18:51,059,875, A>C. VCF-style: chr18-51059875-A-C. GRCh37 (hg19) VCF-style: chr18-48586245-A-C.
Other names: short protein forms H305P.
Identifiers: ClinVar variation 450410 (VCV000450410.10), dbSNP rs1555686072, ClinGen allele CA402463655.

ClinVar aggregate classification (germline): Uncertain significance. Review status: criteria provided, multiple submitters, no conflicts (2 of 4 stars). 3 submissions from 3 submitters: Uncertain significance (3). Last evaluated 2026-07-31.

Conditions:
Hereditary cancer-predisposing syndrome. Also called: Neoplastic Syndromes, Hereditary; Hereditary neoplastic syndrome; Hereditary Cancer Syndrome; Tumor predisposition. Identifiers: Orphanet 140162, MedGen C0027672, MeSH D009386, MONDO:0015356.
Familial thoracic aortic aneurysm and aortic dissection (TAAD). Also called: Thoracic aortic aneurysms and dissections. Identifiers: Orphanet 91387, MedGen C4707243, MONDO:0019625.
Juvenile polyposis syndrome (JPS). Identifiers: Orphanet 2929, MedGen C0345893, MONDO:0017380, OMIM 174900.

Submissions (3):

Ambry Genetics
Classification: Uncertain significance for Hereditary cancer-predisposing syndrome; Familial thoracic aortic aneurysm and aortic dissection. Last evaluated: 2026-07-31. Review status: criteria provided, single submitter. Criteria: Ambry Variant Classification Scheme 2023. Collection method: clinical testing. Allele origin: germline.
Comment: The p.H305P variant (also known as c.914A>C), located in coding exon 7 of the SMAD4 gene, results from an A to C substitution at nucleotide position 914. The histidine at codon 305 is replaced by proline, an amino acid with similar properties. This amino acid position is highly conserved in available vertebrate species. In addition, this alteration is predicted to be deleterious by in silico analysis. Based on the available evidence, the clinical significance of this variant remains unclear.

Labcorp Genetics (formerly Invitae), Labcorp
Classification: Uncertain significance for Juvenile polyposis syndrome. Last evaluated: 2022-06-27. Review status: criteria provided, single submitter. Criteria: Invitae Variant Classification Sherloc (09022015). Collection method: clinical testing. Allele origin: germline.
Comment: In summary, the available evidence is currently insufficient to determine the role of this variant in disease. Therefore, it has been classified as a Variant of Uncertain Significance. Advanced modeling of protein sequence and biophysical properties (such as structural, functional, and spatial information, amino acid conservation, physicochemical variation, residue mobility, and thermodynamic stability) performed at Invitae indicates that this missense variant is not expected to disrupt SMAD4 protein function. ClinVar contains an entry for this variant (Variation ID: 450410). This variant has not been reported in the literature in individuals affected with SMAD4-related conditions. This variant is not present in population databases (gnomAD no frequency). This sequence change replaces histidine, which is basic and polar, with proline, which is neutral and non-polar, at codon 305 of the SMAD4 protein (p.His305Pro).

GeneDx
Classification: Uncertain significance. Last evaluated: 2017-07-11. Review status: criteria provided, single submitter. Criteria: GeneDx Variant Classification (06012015). Collection method: clinical testing. Allele origin: germline. Affected: yes.
Comment: A variant of uncertain significance has been identified in the SMAD4 gene. The H305P variant has not been published as pathogenic or been reported as benign to our knowledge. This variant is also not observed in large population cohorts (Lek et al., 2016; 1000 Genomes Consortium et al., 2015; Exome Variant Server). The H305P variant is a non-conservative amino acid substitution, which is likely to impact secondary protein structure as these residues differ in polarity, charge, size and/or other properties. This substitution occurs at a position that is conserved across species and in silico analysis predicts this variant is probably damaging to the protein structure/function. Nevertheless, this variant has not been observed in a significant number of affected individuals, and it lacks both segregation and functional studies which would further clarify its pathogenicity.